The following is an entry in ClinVar:

NM_003289.4(TPM2):c.773-5_773-3dup

Gene: TPM2 (tropomyosin 2; minus strand). Cytogenetic location: 9p13.3.
Variant type: Duplication.
Coding change: c.773-5_773-3dup on transcript NM_003289.4 (MANE Select); 5 bases into the intron before coding-DNA position 773 through 3 bases into the intron before coding-DNA position 773, 3 bases duplicated (CCC; older notation c.773-5_773-3dupCCC).
Molecular consequence: intron variant.
Genome position (GRCh38, 1-based): chr9:35,683,244-35,683,246, GGG duplicated on the plus strand (CCC on the coding strand, the reverse complement: TPM2 is on the minus strand); duplicating any 3 consecutive bases within chr9:35,683,244-35,683,251 gives the same sequence; the c. name uses the placement nearest the transcript's 3' end. VCF-style (leftmost placement, unchanged base first): chr9-35683243-T-TGGG. GRCh37 (hg19) VCF-style: chr9-35683240-T-TGGG.
Other names: c.772+1000_772+1002dup (NM_213674.1, NM_001301226.2); c.773-5_773-3dup (NM_001301227.2); c.773-5_773-3dupCCC (NM_003289.3).
Identifiers: ClinVar variation 366768 (VCV000366768.36), dbSNP rs35401252, ClinGen allele CA5047146.
Genomic context (GRCh38, chr9:35,683,243, plus strand): 5'-TGCGTTGTCCAGTTCCTCGCTAATGGCCTTGTACTTCATCTTCTGGGCATAGACTTCATC[T>TGGG]GGGGGGGGTCCAGGGAGGGGACCAGGTGGGAGTGTGGGAAAGGGAGTGGAGGGAAAGAGG-3'

ClinVar aggregate classification (germline): Benign/Likely benign. Review status: criteria provided, multiple submitters, no conflicts (2 of 4 stars). 5 submissions from 5 submitters: Benign (2); Likely benign (2). 1 of the submissions does not count toward it. Last evaluated 2026-01-16.

Conditions:
TPM2-related disorder. Also called: TPM2-related condition; TPM2-related disorders.
Arthrogryposis, distal, type 1A. Also called: ARTHROGRYPOSIS MULTIPLEX CONGENITA, DISTAL, TYPE I. Identifiers: Orphanet 1146, MedGen C6022280, MONDO:0007157, OMIM 108120.

Submissions (5):

Labcorp Genetics (formerly Invitae), Labcorp
Classification: Benign for Digitotalar dysmorphism. Last evaluated: 2026-01-16. Review status: criteria provided, single submitter. Criteria: Invitae Variant Classification Sherloc (09022015). Collection method: clinical testing. Allele origin: germline.

Blueprint Genetics
Classification: Likely benign. Last evaluated: 2024-10-25. Review status: criteria provided, single submitter. Criteria: ACMG Guidelines, 2015. Collection method: clinical testing. Allele origin: germline.

CeGaT Center for Human Genetics Tuebingen
Classification: Benign. Last evaluated: 2022-04-01. Review status: criteria provided, single submitter. Criteria: CeGaT Center For Human Genetics Tuebingen Variant Classification Criteria Version 2. Collection method: clinical testing. Allele origin: germline. Affected: yes. Observed: 1 variant allele.
Comment: TPM2: BS1, BS2

GeneDx
Classification: Likely benign. Last evaluated: 2017-05-12. Review status: criteria provided, single submitter. Criteria: GeneDx Variant Classification (06012015). Collection method: clinical testing. Allele origin: germline. Affected: yes.
Comment: This variant is considered likely benign or benign based on one or more of the following criteria: it is a conservative change, it occurs at a poorly conserved position in the protein, it is predicted to be benign by multiple in silico algorithms, and/or has population frequency not consistent with disease.

PreventionGenetics, part of Exact Sciences
Classification: Likely benign for TPM2-related condition. Last evaluated: 2019-03-18. Review status: no assertion criteria provided. Collection method: clinical testing. Allele origin: germline. Not counted in ClinVar's aggregate classification.
Comment: This variant is classified as likely benign based on ACMG/AMP sequence variant interpretation guidelines (Richards et al. 2015 PMID: 25741868, with internal and published modifications).